The following is an entry in ClinVar:

ClinVar aggregate classification (germline): Benign/Likely benign. Review status: criteria provided, multiple submitters, no conflicts (2 of 4 stars). 4 submissions from 4 submitters: Benign (1); Likely benign (3). Last evaluated 2025-06-04.

Conditions:
Breast-ovarian cancer, familial, susceptibility to, 3. Also called: RAD51C-Related Breast/Ovarian Cancer. Identifiers: Orphanet 145, MedGen C3150659, MONDO:0013253, OMIM 613399.
Hereditary cancer-predisposing syndrome. Also called: Tumor predisposition; Neoplastic Syndromes, Hereditary; Hereditary Cancer Syndrome; Hereditary neoplastic syndrome. Identifiers: Orphanet 140162, MedGen C0027672, MeSH D009386, MONDO:0015356.
Fanconi anemia complementation group O. Also called: RAD51C-Related Fanconi Anemia. Identifiers: Orphanet 84, MedGen C3150653, MONDO:0013248, OMIM 613390.

Allele frequency attached by ClinVar (database versions not stated): gnomAD exomes below 0.00001.

Submissions (4):

Labcorp Genetics (formerly Invitae), Labcorp
Classification: Likely benign for Fanconi anemia complementation group O. Last evaluated: 2025-06-04. Review status: criteria provided, single submitter. Criteria: Invitae Variant Classification Sherloc (09022015). Collection method: clinical testing. Allele origin: germline.

Myriad Genetics, Inc.
Classification: Benign for Breast-ovarian cancer, familial, susceptibility to, 3. Last evaluated: 2025-02-19. Review status: criteria provided, single submitter. Criteria: Myriad Autosomal Dominant, Autosomal Recessive and X-Linked Classification Criteria (2023). Collection method: clinical testing. Allele origin: unknown.
Comment: This variant is considered benign. This variant is a silent/synonymous amino acid change and it is not expected to impact splicing.

Color Diagnostics, LLC DBA Color Health
Classification: Likely benign for Hereditary cancer-predisposing syndrome. Last evaluated: 2018-02-15. Review status: criteria provided, single submitter. Criteria: ACMG Guidelines, 2015. Collection method: clinical testing. Allele origin: germline.

Ambry Genetics
Classification: Likely benign for Hereditary cancer-predisposing syndrome. Last evaluated: 2016-02-04. Review status: criteria provided, single submitter. Criteria: Ambry Variant Classification Scheme 2023. Collection method: clinical testing. Allele origin: germline.

NM_058216.3(RAD51C):c.717G>C (p.Val239=)

Gene: RAD51C (RAD51 paralog C; plus strand). Cytogenetic location: 17q22.
Variant type: single nucleotide variant.
Coding change: c.717G>C on transcript NM_058216.3 (MANE Select); coding-DNA position 717, G replaced by C.
Protein change: p.Val239=; no amino-acid change (valine 239 retained).
Molecular consequence: synonymous variant. On other transcripts: non-coding transcript variant (1).
Genome position (GRCh38, 1-based): chr17:58,709,870, G>C. VCF-style: chr17-58709870-G-C. GRCh37 (hg19) VCF-style: chr17-56787231-G-C.
Identifiers: ClinVar variation 486271 (VCV000486271.18), dbSNP rs1555599108, ClinGen allele CA501075519.